The following is an entry in ClinVar:

ClinVar aggregate classification (germline): Uncertain significance (1 of 4 stars; one submission).

Submission:

Labcorp Genetics (formerly Invitae), Labcorp
Classification: Uncertain significance. Last evaluated: 2022-04-22. Review status: criteria provided, single submitter. Criteria: Invitae Variant Classification Sherloc (09022015). Collection method: clinical testing. Allele origin: germline.
Comment: In summary, the available evidence is currently insufficient to determine the role of this variant in disease. Therefore, it has been classified as a Variant of Uncertain Significance. Experimental studies and prediction algorithms are not available or were not evaluated, and the functional significance of this variant is currently unknown. This variant has not been reported in the literature in individuals affected with COL18A1-related conditions. The frequency data for this variant in the population databases is considered unreliable, as metrics indicate poor data quality at this position in the gnomAD database. This sequence change replaces proline, which is neutral and non-polar, with leucine, which is neutral and non-polar, at codon 213 of the COL18A1 protein (p.Pro213Leu). The COL18A1 gene has multiple clinically relevant transcripts. This variant occurs in alternate transcript NM_030582.3, and corresponds to NM_130445.2:c.107-12074_107-12073delinsTG in the primary transcript.

NM_001379500.1(COL18A1):c.107-12074_107-12073inv

Gene: COL18A1 (collagen type XVIII alpha 1 chain; plus strand). Cytogenetic location: 21q22.3.
Variant type: Inversion.
Coding change: c.107-12074_107-12073inv on transcript NM_001379500.1 (MANE Select).
Molecular consequence: intron variant. On other transcripts: missense variant (2).
Genome position: GRCh38 VCF-style: chr21-45456168-CA-TG. GRCh37 (hg19) VCF-style: chr21-46876082-CA-TG.
Other names: c.638_639inv, p.Pro213Leu (NM_030582.4, NM_130444.3); short protein forms P213L.
Identifiers: ClinVar variation 1475144 (VCV001475144.3), ClinGen allele CA2573157442.
Genomic context (GRCh38, chr21:45,456,168, plus strand): 5'-CATCGCCTCCCTCCCTGGGCAGGCCCTGGGCACCACTCACGGGGCCCTCAGTGCCACCAC[CA>TG]TCTTCAGGTAGAGCTTCTCTCTCCTCCTTGCTGGGCGGGGCCCCTCCCTGGGGAAGCCTG-3'